The following is an entry in ClinVar:

NM_000202.8(IDS):c.717G>A (p.Gln239=)

Genes: IDS (iduronate 2-sulfatase; minus strand), LOC106050102 (IDS recombination region; plus strand). Cytogenetic location: Xq28.
Variant type: single nucleotide variant.
Coding change: c.717G>A on transcript NM_000202.8 (MANE Select); coding-DNA position 717, G replaced by A.
Protein change: p.Gln239=; no amino-acid change (glutamine 239 retained).
Molecular consequence: synonymous variant. On other transcripts: non-coding transcript variant (1).
Genome position (GRCh38, 1-based): chrX:149,496,508, C>T on the plus strand (G>A on the coding strand, the complement: IDS is on the minus strand). VCF-style: chrX-149496508-C-T. GRCh37 (hg19) VCF-style: chrX-148578039-C-T.
Other names: c.447G>A, p.Gln149= (NM_001166550.4); c.717G>A, p.Gln239= (NM_006123.5).
Identifiers: ClinVar variation 1104296 (VCV001104296.33), dbSNP rs782087755, ClinGen allele CA337036352.

ClinVar aggregate classification (germline): Likely benign. Review status: criteria provided, multiple submitters, no conflicts (2 of 4 stars). 3 submissions from 3 submitters: Likely benign (2). 1 of the submissions does not count toward it. Last evaluated 2025-06-01.

Conditions:
Mucopolysaccharidosis, MPS-III-A (MPS3A). Also called: SANFILIPPO SYNDROME A; SULFAMIDASE DEFICIENCY; MPS III A; MUCOPOLYSACCHARIDOSIS, TYPE IIIA, ATTENUATED; mucopolysaccharidosis type 3A; HEPARAN SULFATE SULFATASE DEFICIENCY. Identifiers: Orphanet 581, Orphanet 79269, MedGen C0086647, MONDO:0009655, OMIM 252900.
Mucopolysaccharidosis, MPS-II (MPS2). Also called: IDURONATE 2-SULFATASE DEFICIENCY; Mucopolysaccharidosis Type II; IDS deficiency; Sulfoiduronate sulfatase deficiency; SIDS deficiency; Mucopolysaccharidosis type 2. Identifiers: Orphanet 580, Orphanet 79388, MedGen C0026705, MONDO:0010674, OMIM 309900.

Allele frequency attached by ClinVar (database versions not stated): gnomAD exomes 0.00001 and 0.00009; TOPMed 0.00004; gnomAD 0.00005.
gnomAD v4.1: 102 of 1,209,687 alleles (0.0084%); highest among the groups gnomAD compares: Non-Finnish European, 0.011%; no homozygotes.

Submissions (3):

CeGaT Center for Human Genetics Tuebingen
Classification: Likely benign. Last evaluated: 2025-06-01. Review status: criteria provided, single submitter. Criteria: CeGaT Center For Human Genetics Tuebingen Variant Classification Criteria Version 2. Collection method: clinical testing. Allele origin: germline. Affected: yes. Observed: 2 variant alleles.
Comment: IDS: BP4, BP7, BS2

Labcorp Genetics (formerly Invitae), Labcorp
Classification: Likely benign for Mucopolysaccharidosis, MPS-II. Last evaluated: 2024-07-24. Review status: criteria provided, single submitter. Criteria: Invitae Variant Classification Sherloc (09022015). Collection method: clinical testing. Allele origin: germline.

Natera, Inc.
Classification: Likely benign for Mucopolysaccharidosis type IIIA. Last evaluated: 2021-08-24. Review status: no assertion criteria provided. Collection method: clinical testing. Allele origin: germline. Not counted in ClinVar's aggregate classification.